The following is an entry in ClinVar:

ClinVar aggregate classification (germline): Uncertain significance. Review status: criteria provided, multiple submitters, no conflicts (2 of 4 stars). 6 submissions from 6 submitters: Uncertain significance (6). Last evaluated 2026-06-22.

Conditions:
TINF2-related disorder. Also called: TINF2-related condition.
Dyskeratosis congenita. Identifiers: Orphanet 1775, MedGen C0265965, MONDO:0015780.

Allele frequency attached by ClinVar (database versions not stated): ESP Exome Variant Server 0.00008; gnomAD 0.00009; gnomAD exomes 0.00009 and 0.00013; TOPMed 0.00009; ExAC 0.00010.
gnomAD v4.1: 139 of 1,613,764 alleles (0.0086%); highest among the groups gnomAD compares: Middle Eastern, 0.016%; no homozygotes.

Submissions (6):

PreventionGenetics, part of Exact Sciences
Classification: Uncertain significance for TINF2-related condition. Last evaluated: 2026-06-22. Review status: criteria provided, single submitter. Criteria: ACMG Guidelines, 2015. Collection method: clinical testing. Allele origin: germline.
Comment: The TINF2 c.1081A>G variant is predicted to result in the amino acid substitution p.Met361Val. This variant, along with a variant in TERT, has been reported in an individual with common variable immunodeficiency (Reported via HG38 as 14-24240311-T-C, Rolles et al. 2023. PubMed ID: 37944684). This variant is reported in 0.021% of alleles in individuals of European (Non-Finnish) descent in gnomAD. At this time, the clinical significance of this variant is uncertain due to the absence of conclusive functional and genetic evidence.

Labcorp Genetics (formerly Invitae), Labcorp
Classification: Uncertain significance for Dyskeratosis congenita. Last evaluated: 2026-01-24. Review status: criteria provided, single submitter. Criteria: Invitae Variant Classification Sherloc (09022015). Collection method: clinical testing. Allele origin: germline.
Comment: This sequence change replaces methionine, which is neutral and non-polar, with valine, which is neutral and non-polar, at codon 361 of the TINF2 protein (p.Met361Val). This variant is present in population databases (rs201787600, gnomAD 0.02%). This missense change has been observed in individual(s) with clinical features of TINF2-related conditions (PMID: 37944684). ClinVar contains an entry for this variant (Variation ID: 857461). An algorithm developed to predict the effect of missense changes on protein structure and function outputs the following: PolyPhen-2: "Benign". The valine amino acid residue is found in multiple mammalian species, which suggests that this missense change does not adversely affect protein function. In summary, the available evidence is currently insufficient to determine the role of this variant in disease. Therefore, it has been classified as a Variant of Uncertain Significance.

Center for Genomic Medicine, Rigshospitalet, Copenhagen University Hospital
Classification: Uncertain significance. Last evaluated: 2025-12-29. Review status: criteria provided, single submitter. Criteria: ACMG Guidelines, 2015. Collection method: clinical testing. Allele origin: germline.

Women's Health and Genetics/Laboratory Corporation of America, LabCorp
Classification: Uncertain significance. Last evaluated: 2025-09-10. Review status: criteria provided, single submitter. Criteria: LabCorp Variant Classification Summary - May 2015. Collection method: clinical testing. Allele origin: germline.
Comment: Variant summary: TINF2 c.1081A>G (p.Met361Val) results in a conservative amino acid change in the encoded protein sequence. Algorithms developed to predict the effect of missense changes on protein structure and function all suggest that this variant is likely to be tolerated. The variant allele was found at a frequency of 0.00013 in 249482 control chromosomes. This frequency is not significantly higher than estimated for disease-causing variants in TINF2, allowing no conclusion about variant significance. c.1081A>G has been observed in an individual from an adult primary immunodeficiency cohort with a telomere biology disorder (Rolles_2023). This report does not provide unequivocal conclusions about association of the variant with TINF2-Related Disorders. To our knowledge, no experimental evidence demonstrating an impact on protein function has been reported. The following publication have been ascertained in the context of this evaluation (PMID: 37944684). ClinVar contains an entry for this variant (Variation ID: 857461). Based on the evidence outlined above, the variant was classified as uncertain significance.

Sema4
Classification: Uncertain significance for Dyskeratosis congenita. Last evaluated: 2022-02-07. Review status: criteria provided, single submitter. Criteria: Sema4 Curation Guidelines. Collection method: curation. Allele origin: germline.
Comment: The TINF2 c.1081A>G (p.M361V) variant has not been reported in the literature to our knowledge. This variant was observed in 27/128692 chromosomes in the Non-Finnish European subpopulation, according to the Genome Aggregation Database (PMID: 32461654). The variant has been reported in ClinVar (Variation ID: 857461). Functional studies have not been performed, and in silico predictions of the variant's effect on protein function are inconclusive. The evidence is insufficient to meet ACMG/AMP criteria for classifying the variant as benign or pathogenic. Thus, the clinical significance of this variant is currently uncertain.

Laboratorio de Genetica e Diagnostico Molecular, Hospital Israelita Albert Einstein
Classification: Uncertain significance. Last evaluated: 2019-07-04. Review status: criteria provided, single submitter. Criteria: ACMG Guidelines, 2015. Collection method: clinical testing. Allele origin: germline. Affected: yes.
Comment: ACMG classification criteria: PM2, BP4

Literature cited by the submitters: PubMed 37944684 (cited by Labcorp Genetics (formerly Invitae), Labcorp and Women's Health and Genetics/Laboratory Corporation of America, LabCorp).

NM_001099274.3(TINF2):c.1081A>G (p.Met361Val)

Gene: TINF2 (TERF1 interacting nuclear factor 2; minus strand). Cytogenetic location: 14q12.
Variant type: single nucleotide variant.
Coding change: c.1081A>G on transcript NM_001099274.3 (MANE Select); coding-DNA position 1081, A replaced by G.
Protein change: p.Met361Val; replaces methionine 361 with valine.
Molecular consequence: missense variant. On other transcripts: 3 prime UTR variant (1).
Genome position (GRCh38, 1-based): chr14:24,240,311, T>C on the plus strand (A>G on the coding strand, the complement: TINF2 is on the minus strand). VCF-style: chr14-24240311-T-C. GRCh37 (hg19) VCF-style: chr14-24709517-T-C.
Other names: c.976A>G, p.Met326Val (NM_001363668.2); c.*104A>G (NM_012461.3); short protein forms M361V, M326V.
Identifiers: ClinVar variation 857461 (VCV000857461.13), dbSNP rs201787600, ClinGen allele CA7130501.